The following is an entry in ClinVar:

NM_002907.4(RECQL):c.158C>T (p.Ser53Phe)

Gene: RECQL (RecQ like helicase; minus strand). Cytogenetic location: 12p12.1.
Variant type: single nucleotide variant.
Coding change: c.158C>T on transcript NM_002907.4 (MANE Select); coding-DNA position 158, C replaced by T.
Protein change: p.Ser53Phe; replaces serine 53 with phenylalanine.
Molecular consequence: missense variant.
Genome position (GRCh38, 1-based): chr12:21,491,575, G>A on the plus strand (C>T on the coding strand, the complement: RECQL is on the minus strand). VCF-style: chr12-21491575-G-A. GRCh37 (hg19) VCF-style: chr12-21644509-G-A.
Other names: c.158C>T, p.Ser53Phe (NM_032941.3); short protein forms S53F.
Identifiers: ClinVar variation 1398445 (VCV001398445.11), dbSNP rs1406943068, ClinGen allele CA384134339.
Genomic context (GRCh38, chr12:21,491,575, plus strand): 5'-TAACCTTCTTTATTCCAAGCGGCAGGTGAAGAATCATATTCATTGCTTGCCCCGGCATCA[G>A]AATCCTCTAAACACTGCTTTATTTTCTTTGTCAGGACTTTTTTTTTCTGAATAAGCTCTT-3'
Protein context (NP_002898.2, residues 43-63): TKKIKQCLED[Ser53Phe]DAGASNEYDS

ClinVar aggregate classification (germline): Uncertain significance. Review status: criteria provided, multiple submitters, no conflicts (2 of 4 stars). 3 submissions from 3 submitters: Uncertain significance (3). Last evaluated 2024-02-05.

Allele frequency attached by ClinVar (database versions not stated): gnomAD exomes below 0.00001.
gnomAD v4.1: 5 of 1,611,834 alleles (0.00031%); highest among the groups gnomAD compares: Non-Finnish European, 0.00042%; no homozygotes.

Submissions (3):

Ambry Genetics
Classification: Uncertain significance. Last evaluated: 2024-02-05. Review status: criteria provided, single submitter. Criteria: Ambry Variant Classification Scheme 2023. Collection method: clinical testing. Allele origin: germline.
Comment: The p.S53F variant (also known as c.158C>T), located in coding exon 2 of the RECQL gene, results from a C to T substitution at nucleotide position 158. The serine at codon 53 is replaced by phenylalanine, an amino acid with highly dissimilar properties. This amino acid position is conserved. In addition, this alteration is predicted to be tolerated by in silico analysis. Since supporting evidence is limited at this time, the clinical significance of this alteration remains unclear.

Labcorp Genetics (formerly Invitae), Labcorp
Classification: Uncertain significance. Last evaluated: 2023-04-26. Review status: criteria provided, single submitter. Criteria: Invitae Variant Classification Sherloc (09022015). Collection method: clinical testing. Allele origin: germline.
Comment: This sequence change replaces serine, which is neutral and polar, with phenylalanine, which is neutral and non-polar, at codon 53 of the RECQL protein (p.Ser53Phe). This variant is present in population databases (no rsID available, gnomAD 0.0009%). This variant has not been reported in the literature in individuals affected with RECQL-related conditions. ClinVar contains an entry for this variant (Variation ID: 1398445). An algorithm developed to predict the effect of missense changes on protein structure and function (PolyPhen-2) suggests that this variant is likely to be tolerated. In summary, the available evidence is currently insufficient to determine the role of this variant in disease. Therefore, it has been classified as a Variant of Uncertain Significance.

GeneDx
Classification: Uncertain significance. Last evaluated: 2022-01-07. Review status: criteria provided, single submitter. Criteria: GeneDx Variant Classification Process June 2021. Collection method: clinical testing. Allele origin: germline. Affected: yes.
Comment: Not observed at significant frequency in large population cohorts (gnomAD); In silico analysis supports that this missense variant has a deleterious effect on protein structure/function; Has not been previously published as pathogenic or benign to our knowledge